The following is an entry in ClinVar:

ClinVar aggregate classification (germline): Pathogenic (1 of 4 stars; one submission).

Conditions:
Hereditary breast ovarian cancer syndrome. Also called: Hereditary breast and ovarian cancer; Hereditary breast and ovarian cancer syndrome (HBOC); Breast and ovarian cancer; Hereditary breast and ovarian cancer syndrome; Hereditary breast and/or ovarian cancer syndrome; BRCA1- and BRCA2-Associated Hereditary Breast and Ovarian Cancer. Identifiers: Orphanet 145, MedGen C0677776, MeSH D061325, MONDO:0003582. Disease mechanism: loss of function.

Submission:

Labcorp Genetics (formerly Invitae), Labcorp
Classification: Pathogenic for Hereditary breast ovarian cancer syndrome. Last evaluated: 2021-02-01. Review status: criteria provided, single submitter. Criteria: Invitae Variant Classification Sherloc (09022015). Collection method: clinical testing. Allele origin: germline.
Comment: This variant has not been reported in the literature in individuals with BRCA1-related conditions. This variant is not present in population databases (ExAC no frequency). This sequence change creates a premature translational stop signal (p.Glu1092*) in the BRCA1 gene. It is expected to result in an absent or disrupted protein product. Loss-of-function variants in BRCA1 are known to be pathogenic (PMID: 20104584). For these reasons, this variant has been classified as Pathogenic.

Literature cited by the submitters: PubMed 20104584.

NM_007294.4(BRCA1):c.3274G>T (p.Glu1092Ter)

Genes: BRCA1 (BRCA1 DNA repair associated; minus strand), LOC126862571 (BRD4-independent group 4 enhancer GRCh37_chr17:41243136-41244335; plus strand). Cytogenetic location: 17q21.31.
Variant type: single nucleotide variant.
Coding change: c.3274G>T on transcript NM_007294.4 (MANE Select); coding-DNA position 3274, G replaced by T.
Protein change: p.Glu1092Ter; replaces glutamic acid 1092 with a stop codon.
Molecular consequence: nonsense. On other transcripts: intron variant (137).
Genome position (GRCh38, 1-based): chr17:43,092,257, C>A on the plus strand (G>T on the coding strand, the complement: BRCA1 is on the minus strand). VCF-style: chr17-43092257-C-A. GRCh37 (hg19) VCF-style: chr17-41244274-C-A.
Other names: c.3061G>T, p.Glu1021Ter (NM_001407571.1, NM_001407853.1, NM_001407894.1 and 9 more transcripts); c.3274G>T, p.Glu1092Ter (NM_001407581.1, NM_001407582.1, NM_001407583.1 and 30 more transcripts); c.3271G>T, p.Glu1091Ter (NM_001407587.1, NM_001407590.1, NM_001407591.1 and 22 more transcripts); c.3265G>T, p.Glu1089Ter (NM_001407646.1, NM_001407647.1); c.3151G>T, p.Glu1051Ter (NM_001407648.1, NM_001407664.1, NM_001407665.1 and 19 more transcripts); c.3148G>T, p.Glu1050Ter (NM_001407649.1, NM_001407670.1, NM_001407671.1 and 11 more transcripts); c.3196G>T, p.Glu1066Ter (NM_001407653.1, NM_001407654.1, NM_001407655.1 and 4 more transcripts); c.3193G>T, p.Glu1065Ter (NM_001407659.1, NM_001407660.1, NM_001407661.1 and 1 more transcripts); and 41 more; short protein forms E1045*, E1092*, E1044*, E980*, E981*, E1003*, E1024*, E1051*.
Identifiers: ClinVar variation 1452574 (VCV001452574.7), dbSNP rs876658360, ClinGen allele CA10595440.